The following is an entry in ClinVar:

NM_001931.5(DLAT):c.1142A>G (p.Asp381Gly)

Gene: DLAT (dihydrolipoamide S-acetyltransferase; plus strand). Cytogenetic location: 11q23.1.
Variant type: single nucleotide variant.
Coding change: c.1142A>G on transcript NM_001931.5 (MANE Select); coding-DNA position 1142, A replaced by G.
Protein change: p.Asp381Gly; replaces aspartic acid 381 with glycine.
Molecular consequence: missense variant. On other transcripts: non-coding transcript variant (1).
Genome position (GRCh38, 1-based): chr11:112,043,478, A>G. VCF-style: chr11-112043478-A-G. GRCh37 (hg19) VCF-style: chr11-111914202-A-G.
Other names: p.Asp381Gly; c.1142A>G, p.Asp381Gly (NM_001372031.1, NM_001372033.1, NM_001372035.1); c.1136A>G, p.Asp379Gly (NM_001372032.1); c.1109A>G, p.Asp370Gly (NM_001372034.1); c.1016A>G, p.Asp339Gly (NM_001372036.1); c.974A>G, p.Asp325Gly (NM_001372037.1); c.863A>G, p.Asp288Gly (NM_001372038.1); c.827A>G, p.Asp276Gly (NM_001372039.1, NM_001372041.1); and 2 more; short protein forms D381G, D227G, D370G, D254G, D288G, D339G, D379G, D276G.
Identifiers: ClinVar variation 302459 (VCV000302459.18), dbSNP rs144235197, ClinGen allele CA6276829.

ClinVar aggregate classification (germline): Likely benign. Review status: criteria provided, multiple submitters, no conflicts (2 of 4 stars). 5 submissions from 5 submitters: Likely benign (4). 1 of the submissions does not count toward it. Last evaluated 2025-10-26.

Conditions:
Pyruvate dehydrogenase E2 deficiency (PDHDD). Also called: Dihydrolipoamide Acetyltransferase (E2) Deficiency; LACTIC ACIDEMIA DUE TO DEFECT OF E2 LIPOYL TRANSACETYLASE OF THE PYRUVATE DEHYDROGENASE COMPLEX. Identifiers: Orphanet 765, Orphanet 79244, MedGen C1855565, MONDO:0009502, OMIM 245348.
DLAT-related disorder. Also called: DLAT-related condition.

Allele frequency attached by ClinVar (database versions not stated): gnomAD exomes 0.00035; ExAC 0.00047; 1000 Genomes Project 30x 0.00109; gnomAD 0.00121 and 0.00129; TOPMed 0.00134; 1000 Genomes Project 0.00140; ESP Exome Variant Server 0.00162.
gnomAD v4.1: 359 of 1,614,142 alleles (0.022%); highest among the groups gnomAD compares: African/African-American, 0.4%; 2 homozygotes.

Submissions (7):

Labcorp Genetics (formerly Invitae), Labcorp
Classification: Likely benign for Pyruvate dehydrogenase E2 deficiency. Last evaluated: 2025-10-26. Review status: criteria provided, single submitter. Criteria: Invitae Variant Classification Sherloc (09022015). Collection method: clinical testing. Allele origin: germline.

Mayo Clinic Laboratories, Mayo Clinic
Classification: Likely benign. Last evaluated: 2024-12-13. Review status: criteria provided, single submitter. Criteria: ACMG Guidelines, 2015. Collection method: clinical testing. Allele origin: germline. Observed: 5 variant alleles.
Comment: BS1, BP4_moderate

GeneDx
Classification: Likely benign. Last evaluated: 2021-01-08. Review status: criteria provided, single submitter. Criteria: GeneDx Variant Classification Process June 2021. Collection method: clinical testing. Allele origin: germline. Affected: yes.

Breakthrough Genomics
Classification: Likely benign. Review status: criteria provided, single submitter. Criteria: ACMG Guidelines, 2015. Collection method: not provided. Allele origin: germline. Inheritance: Autosomal recessive inheritance. Affected: yes.

PreventionGenetics, part of Exact Sciences
Classification: Likely benign for DLAT-related condition. Last evaluated: 2022-02-09. Review status: no assertion criteria provided. Collection method: clinical testing. Allele origin: germline. Not counted in ClinVar's aggregate classification.
Comment: This variant is classified as likely benign based on ACMG/AMP sequence variant interpretation guidelines (Richards et al. 2015 PMID: 25741868, with internal and published modifications).

Dr. Peter K. Rogan Lab, Western University
No classification provided (evidence only). Condition: Familial cancer of breast. Review status: no classification provided. Collection method: in vitro. Allele origin: not applicable. Functional consequence: retained intron. Not counted in ClinVar's aggregate classification.

Dr. Peter K. Rogan Lab, Western University
No classification provided (evidence only). Condition: Cervical cancer. Review status: no classification provided. Collection method: in vitro. Allele origin: not applicable. Functional consequence: retained intron. Not counted in ClinVar's aggregate classification.